The following is an entry in ClinVar:

ClinVar aggregate classification (germline): Pathogenic. Review status: criteria provided, single submitter (1 of 4 stars). 2 submissions from 2 submitters: Pathogenic (1). 1 of the submissions does not count toward it. Last evaluated 2024-02-08.

Conditions:
Gastrointestinal stromal tumor. Also called: Gastrointestinal stromal tumor, somatic; Gastrointestinal stroma tumor. Identifiers: Orphanet 44890, MedGen C0238198, MeSH D046152, MONDO:0011719, OMIM 606764, HP:0100723.
Piebaldism. Also called: Piebald skin depigmentation. Identifiers: Orphanet 2884, MedGen C0080024, MONDO:0008244, OMIM 172800, HP:0007544.

Allele frequency attached by ClinVar (database versions not stated): gnomAD exomes below 0.00001.
gnomAD v4.1: 1 of 1,613,726 alleles (0.000062%); highest among the groups gnomAD compares: Non-Finnish European, 0.000085%; no homozygotes.

Submissions (2):

Labcorp Genetics (formerly Invitae), Labcorp
Classification: Pathogenic for Gastrointestinal stromal tumor. Last evaluated: 2024-02-08. Review status: criteria provided, single submitter. Criteria: Invitae Variant Classification Sherloc (09022015). Collection method: clinical testing. Allele origin: germline.
Comment: This sequence change affects a donor splice site in intron 12 of the KIT gene. RNA analysis indicates that disruption of this splice site induces altered splicing and likely results in a shortened protein product. This variant is not present in population databases (gnomAD no frequency). Disruption of this splice site has been observed in individuals with piebaldism (PMID: 1384325, 33155701). ClinVar contains an entry for this variant (Variation ID: 13851). Studies have shown that disruption of this splice site results in skipping of exon 12, but is expected to preserve the integrity of the reading-frame (PMID: 33155701). This variant disrupts a region of the KIT protein in which other variant(s) (p.Ala621Thr) have been determined to be pathogenic (PMID: 7529964, 29896733; Invitae). This suggests that this is a clinically significant region of the protein, and that variants that disrupt it are likely to be disease-causing. For these reasons, this variant has been classified as Pathogenic.

OMIM
Classification: Pathogenic for PIEBALDISM. Last evaluated: 1992-11-01. Review status: no assertion criteria provided. Collection method: literature only. Allele origin: germline. Not counted in ClinVar's aggregate classification.

Literature cited by the submitters: PubMed 1384325 (cited by Labcorp Genetics (formerly Invitae), Labcorp and OMIM); PubMed 33155701 (cited by Labcorp Genetics (formerly Invitae), Labcorp); PubMed 7529964 (cited by Labcorp Genetics (formerly Invitae), Labcorp); PubMed 29896733 (cited by Labcorp Genetics (formerly Invitae), Labcorp).

NM_000222.3(KIT):c.1879+1G>A

Gene: KIT (KIT proto-oncogene, receptor tyrosine kinase; plus strand). Cytogenetic location: 4q12.
Variant type: single nucleotide variant.
Coding change: c.1879+1G>A on transcript NM_000222.3 (MANE Select); the canonical splice donor site of the intron after coding-DNA position 1879, G replaced by A.
Molecular consequence: splice donor variant.
Genome position (GRCh38, 1-based): chr4:54,727,928, G>A. VCF-style: chr4-54727928-G-A. GRCh37 (hg19) VCF-style: chr4-55594094-G-A.
Other names: IVS12DS, G-A, +1; c.1882+1G>A (NM_001385284.1, NM_001385290.1); c.1870+1G>A (NM_001385288.1, NM_001385292.1); c.1879+1G>A (NM_001385285.1); c.1867+1G>A (NM_001093772.2, NM_001385286.1).
Identifiers: ClinVar variation 13851 (VCV000013851.10), dbSNP rs794726675, ClinGen allele CA123512.
Genomic context (GRCh38, chr4:54,727,928, plus strand): 5'-CTGCTTATGGCTTAATTAAGTCAGATGCGGCCATGACTGTCGCTGTAAAGATGCTCAAGC[G>A]TAAGTTCCTGTATGGTACTGCATGCGCTTGACATCAGTTTGCCAGTTGTGCTTTTTGCTA-3'